The following is an entry in ClinVar:

ClinVar aggregate classification (germline): Uncertain significance (1 of 4 stars; one submission).

Submission:

GeneDx
Classification: Uncertain significance. Last evaluated: 2023-01-24. Review status: criteria provided, single submitter. Criteria: GeneDx Variant Classification Process June 2021. Collection method: clinical testing. Allele origin: germline. Affected: yes.
Comment: In silico analysis supports that this missense variant has a deleterious effect on protein structure/function; Not observed at significant frequency in large population cohorts (gnomAD); Has not been previously published as pathogenic or benign to our knowledge

NM_138615.3(DHX30):c.1517A>G (p.Glu506Gly)

Gene: DHX30 (DExH-box helicase 30; plus strand). Cytogenetic location: 3p21.31.
Variant type: single nucleotide variant.
Coding change: c.1517A>G on transcript NM_138615.3 (MANE Select); coding-DNA position 1517, A replaced by G.
Protein change: p.Glu506Gly; replaces glutamic acid 506 with glycine.
Genome position (GRCh38, 1-based): chr3:47,846,589, A>G. VCF-style: chr3-47846589-A-G. GRCh37 (hg19) VCF-style: chr3-47888079-A-G.
Other names: c.1433A>G, p.Glu478Gly (NM_001330990.2); c.1400A>G, p.Glu467Gly (NM_014966.4); short protein forms E467G, E478G, E506G.
Identifiers: ClinVar variation 1691787 (VCV001691787.4), dbSNP rs2107134729, ClinGen allele CA352586771.